The following is an entry in ClinVar:

NM_000492.4(CFTR):c.114C>G (p.Tyr38Ter)

Gene: CFTR (CF transmembrane conductance regulator; plus strand). Cytogenetic location: 7q31.2.
Variant type: single nucleotide variant.
Coding change: c.114C>G on transcript NM_000492.4 (MANE Select); coding-DNA position 114, C replaced by G.
Protein change: p.Tyr38Ter; replaces tyrosine 38 with a stop codon.
Molecular consequence: nonsense.
Genome position (GRCh38, 1-based): chr7:117,504,313, C>G. VCF-style: chr7-117504313-C-G. GRCh37 (hg19) VCF-style: chr7-117144367-C-G.
Other names: short protein forms Y38*.
Identifiers: ClinVar variation 35817 (VCV000035817.7), dbSNP rs193922498, ClinGen allele CA260211.

ClinVar aggregate classification (germline): Pathogenic/Likely pathogenic. Review status: criteria provided, multiple submitters, no conflicts (2 of 4 stars). 4 submissions from 4 submitters: Pathogenic (1); Likely pathogenic (2). 1 of the submissions does not count toward it. Last evaluated 2025-04-23.

Conditions:
CFTR-related disorder (CFTR-RD). Also called: CFTR-related disorders; CFTR-related condition. Identifiers: MedGen C5924204, MONDO:7770004.
Cystic fibrosis (CF). Also called: MUCOVISCIDOSIS. Identifiers: Orphanet 586, MedGen C0010674, MONDO:0009061, OMIM 219700. Disease mechanism: loss of function.

Submissions (4):

Natera, Inc.
Classification: Likely pathogenic for CFTR-related disorders. Last evaluated: 2025-04-23. Review status: criteria provided, single submitter. Criteria: Natera Variant Classification Schema (03/2026). Collection method: clinical testing. Allele origin: germline.
Comment: The c.114C>G variant in CFTR is a nonsense variant predicted to introduce a stop codon at amino acid 38. This variant is expected to result in nonsense mediated decay, truncation, or a dysfunctional protein product. This variant is rare in the general population with a frequency below the threshold expected for the associated phenotype(s). Given the available evidence, this variant is classified as Likely Pathogenic.

Labcorp Genetics (formerly Invitae), Labcorp
Classification: Pathogenic for Cystic fibrosis. Last evaluated: 2024-05-04. Review status: criteria provided, single submitter. Criteria: Invitae Variant Classification Sherloc (09022015). Collection method: clinical testing. Allele origin: germline.
Comment: This sequence change creates a premature translational stop signal (p.Tyr38*) in the CFTR gene. It is expected to result in an absent or disrupted protein product. Loss-of-function variants in CFTR are known to be pathogenic (PMID: 1695717, 7691345, 9725922). This variant is not present in population databases (gnomAD no frequency). This variant has not been reported in the literature in individuals affected with CFTR-related conditions. ClinVar contains an entry for this variant (Variation ID: 35817). For these reasons, this variant has been classified as Pathogenic.

Women's Health and Genetics/Laboratory Corporation of America, LabCorp
Classification: Likely pathogenic for Cystic Fibrosis. Last evaluated: 2011-08-18. Review status: criteria provided, single submitter. Criteria: LabCorp Variant Classification Summary - May 2015. Collection method: curation. Allele origin: germline. Inheritance: autosomal unknown. Affected: yes.
ClinVar note: Converted during submission from likely pathogenic to Likely pathogenic.

Counsyl
Classification: Likely pathogenic for Cystic fibrosis. Last evaluated: 2018-06-06. Review status: no assertion criteria provided. Collection method: clinical testing. Allele origin: unknown. Not counted in ClinVar's aggregate classification.

Literature cited by the submitters: PubMed 1695717 (cited by Labcorp Genetics (formerly Invitae), Labcorp); PubMed 7691345 (cited by Labcorp Genetics (formerly Invitae), Labcorp); PubMed 9725922 (cited by Labcorp Genetics (formerly Invitae), Labcorp).